The following is an entry in ClinVar:

ClinVar aggregate classification (germline): Likely pathogenic (0 of 4 stars; one submission).

Conditions:
Microcephaly 3, primary, autosomal recessive. Identifiers: Orphanet 2512, MedGen C1858108, MONDO:0011488, OMIM 604804.

Submission:

Department of Medical Genetics, Kayseri City Hospital
Classification: Likely pathogenic for Microcephaly 3, primary, autosomal recessive. Last evaluated: 2024-08-01. Review status: no assertion criteria provided. Collection method: clinical testing. Allele origin: biparental. Inheritance: Autosomal recessive inheritance. Affected: yes. Observed: 6 variant alleles, 6 homozygotes.
Comment: The K656N mutation in exon 16 of the CDK5RAP2 gene is caused by a G>C nucleotide substitution at position 1968.This sequence alteration is predicted to affect the splice site, potentially leading to exon skipping, and is expected to result in an absent or disrupted protein product.This variant is not present in population databases (gnomAD no frequency). This variant has not been reported in the literature in individuals affected with CDK5RAP2-related conditions. For these reasons, this variant has been classified as Likely Pathogenic.

NM_018249.6(CDK5RAP2):c.1968G>C (p.Lys656Asn)

Gene: CDK5RAP2 (CDK5 regulatory subunit associated protein 2; minus strand). Cytogenetic location: 9q33.2.
Variant type: single nucleotide variant.
Coding change: c.1968G>C on transcript NM_018249.6 (MANE Select); coding-DNA position 1968, G replaced by C.
Protein change: p.Lys656Asn; replaces lysine 656 with asparagine.
Molecular consequence: missense variant. On other transcripts: non-coding transcript variant (5).
Genome position (GRCh38, 1-based): chr9:120,470,111, C>G on the plus strand (G>C on the coding strand, the complement: CDK5RAP2 is on the minus strand). VCF-style: chr9-120470111-C-G. GRCh37 (hg19) VCF-style: chr9-123232389-C-G.
Other names: p.K656N; c.1968G>C, p.Lys656Asn (NM_001011649.3, NM_001410993.1); c.1965G>C, p.Lys655Asn (NM_001272039.2, NM_001410992.1, NM_001410994.1); short protein forms K655N, K656N.
Identifiers: ClinVar variation 3336692 (VCV003336692.2).